The following is an entry in ClinVar:

NM_001386795.1(DTNA):c.1346+5G>C

Gene: DTNA (dystrobrevin alpha; plus strand). Cytogenetic location: 18q12.1.
Variant type: single nucleotide variant.
Coding change: c.1346+5G>C on transcript NM_001386795.1 (MANE Select); 5 bases into the intron after coding-DNA position 1346, G replaced by C.
Molecular consequence: intron variant.
Genome position (GRCh38, 1-based): chr18:34,838,842, G>C. VCF-style: chr18-34838842-G-C. GRCh37 (hg19) VCF-style: chr18-32418806-G-C.
Other names: c.1095-9454G>C (NM_032975.4, NM_001386761.1, NM_001386762.1 and 1 more transcripts); c.1175+9353G>C (NM_001386754.1, NM_001386755.1, NM_001386760.1 and 5 more transcripts); c.1086-9454G>C (NM_001386763.1, NM_001386764.1, NM_001386768.1 and 13 more transcripts); c.604-12989G>C (NM_001198945.2); c.1346+5G>C (NM_001386788.1); c.1256+5G>C (NM_032978.7); c.1265+5G>C (NM_001390.5, NM_001391.5, NM_001390.4); c.336-9454G>C (NM_001198943.1); and 4 more.
Identifiers: ClinVar variation 46432 (VCV000046432.10), dbSNP rs397517448, ClinGen allele CA138353.

ClinVar aggregate classification (germline): Uncertain significance. Review status: criteria provided, multiple submitters, no conflicts (2 of 4 stars). 3 submissions from 3 submitters: Uncertain significance (3). Last evaluated 2026-01-25.

Conditions:
Left ventricular noncompaction 1 (LVNC1). Also called: LEFT VENTRICULAR NONCOMPACTION 1 WITH OR WITHOUT CONGENITAL HEART DEFECTS. Identifiers: Orphanet 54260, MedGen C1858725, MONDO:0011403, OMIM 604169.

Allele frequency attached by ClinVar (database versions not stated): gnomAD exomes 0.00002 and 0.00004; TOPMed 0.00002; ExAC 0.00003; gnomAD 0.00004.
gnomAD v4.1: 31 of 1,613,224 alleles (0.0019%); highest among the groups gnomAD compares: Admixed American, 0.0017%; no homozygotes.

Submissions (3):

Labcorp Genetics (formerly Invitae), Labcorp
Classification: Uncertain significance for Left ventricular noncompaction 1. Last evaluated: 2026-01-25. Review status: criteria provided, single submitter. Criteria: Invitae Variant Classification Sherloc (09022015). Collection method: clinical testing. Allele origin: germline.
Comment: This sequence change falls in intron 12 of the DTNA gene. It does not directly change the encoded amino acid sequence of the DTNA protein. It affects a nucleotide within the consensus splice site. This variant is present in population databases (rs397517448, gnomAD 0.06%). This variant has not been reported in the literature in individuals affected with DTNA-related conditions. ClinVar contains an entry for this variant (Variation ID: 46432). Variants that disrupt the consensus splice site are a relatively common cause of aberrant splicing (PMID: 17576681, 9536098). Algorithms developed to predict the effect of sequence changes on RNA splicing suggest that this variant may disrupt the consensus splice site. In summary, the available evidence is currently insufficient to determine the role of this variant in disease. Therefore, it has been classified as a Variant of Uncertain Significance.

Fulgent Genetics
Classification: Uncertain significance for Left ventricular noncompaction 1. Last evaluated: 2024-05-28. Review status: criteria provided, single submitter. Criteria: ACMG Guidelines, 2015. Collection method: clinical testing. Allele origin: germline.

Laboratory for Molecular Medicine, Mass General Brigham Personalized Medicine
Classification: Uncertain significance. Last evaluated: 2012-10-24. Review status: criteria provided, single submitter. Criteria: LMM Criteria. Collection method: clinical testing. Allele origin: germline. Observed: 1 variant allele.
Comment: The 1256+5G>C variant in DTNA has not been reported in the literature nor previo usly identified by our laboratory. This variant has also not been identified in large and broad European American and African American populations by the NHLBI Exome Sequencing Project, though this low fr equency in insufficient to assess the clinical significance of this variant in t he absence of other information. This variant is located in the 5' splice region and computational tools suggest a possible impact to splicing, though this info rmation is not predictive enough to comment on pathogenicity. Additional informa tion is needed to fully assess the clinical significance of this variant.

Literature cited by the submitters: PubMed 17576681 (cited by Labcorp Genetics (formerly Invitae), Labcorp); PubMed 9536098 (cited by Labcorp Genetics (formerly Invitae), Labcorp).